The following is an entry in ClinVar:

NM_001099271.2(POC5):c.673A>T (p.Ile225Phe)

Gene: POC5 (POC5 centriolar protein; minus strand). Cytogenetic location: 5q13.3.
Variant type: single nucleotide variant.
Coding change: c.673A>T on transcript NM_001099271.2 (MANE Select); coding-DNA position 673, A replaced by T.
Protein change: p.Ile225Phe; replaces isoleucine 225 with phenylalanine.
Molecular consequence: missense variant.
Genome position (GRCh38, 1-based): chr5:75,694,672, T>A on the plus strand (A>T on the coding strand, the complement: POC5 is on the minus strand). VCF-style: chr5-75694672-T-A. GRCh37 (hg19) VCF-style: chr5-74990497-T-A.
Other names: c.598A>T, p.Ile200Phe (NM_152408.3); short protein forms I200F, I225F.
Identifiers: ClinVar variation 2783101 (VCV002783101.3), dbSNP rs190991771, ClinGen allele CA360147869.

ClinVar aggregate classification (germline): Uncertain significance (1 of 4 stars; one submission).

gnomAD v4.1: 1 of 1,561,926 alleles (0.000064%); highest among the groups gnomAD compares: Non-Finnish European, 0.000086%; no homozygotes.

Submission:

Labcorp Genetics (formerly Invitae), Labcorp
Classification: Uncertain significance. Last evaluated: 2022-10-15. Review status: criteria provided, single submitter. Criteria: Invitae Variant Classification Sherloc (09022015). Collection method: clinical testing. Allele origin: germline.
Comment: This variant has not been reported in the literature in individuals affected with POC5-related conditions. This variant is not present in population databases (gnomAD no frequency). This sequence change replaces isoleucine, which is neutral and non-polar, with phenylalanine, which is neutral and non-polar, at codon 225 of the POC5 protein (p.Ile225Phe). In summary, the available evidence is currently insufficient to determine the role of this variant in disease. Therefore, it has been classified as a Variant of Uncertain Significance. Algorithms developed to predict the effect of missense changes on protein structure and function are either unavailable or do not agree on the potential impact of this missense change (SIFT: "Not Available"; PolyPhen-2: "Benign"; Align-GVGD: "Not Available").